The following is an entry in ClinVar:

ClinVar aggregate classification (germline): Uncertain significance (1 of 4 stars; one submission).

gnomAD v4.1: 1 of 1,526,050 alleles (0.000066%); highest among the groups gnomAD compares: East Asian, 0.0023%; no homozygotes.

Submission:

Labcorp Genetics (formerly Invitae), Labcorp
Classification: Uncertain significance. Last evaluated: 2025-03-12. Review status: criteria provided, single submitter. Criteria: Invitae Variant Classification Sherloc (09022015). Collection method: clinical testing. Allele origin: germline.
Comment: This sequence change replaces lysine, which is basic and polar, with arginine, which is basic and polar, at codon 232 of the MYO18B protein (p.Lys232Arg). This variant is present in population databases (no rsID available, gnomAD 0.06%). This variant has not been reported in the literature in individuals affected with MYO18B-related conditions. An algorithm developed to predict the effect of missense changes on protein structure and function (PolyPhen-2) suggests that this variant is likely to be tolerated. In summary, the available evidence is currently insufficient to determine the role of this variant in disease. Therefore, it has been classified as a Variant of Uncertain Significance.

NM_032608.7(MYO18B):c.695A>G (p.Lys232Arg)

Gene: MYO18B (myosin XVIIIB; plus strand). Cytogenetic location: 22q12.1.
Variant type: single nucleotide variant.
Coding change: c.695A>G on transcript NM_032608.7 (MANE Select); coding-DNA position 695, A replaced by G.
Protein change: p.Lys232Arg; replaces lysine 232 with arginine.
Molecular consequence: missense variant.
Genome position (GRCh38, 1-based): chr22:25,768,611, A>G. VCF-style: chr22-25768611-A-G. GRCh37 (hg19) VCF-style: chr22-26164578-A-G.
Other names: c.695A>G, p.Lys232Arg (NM_001318245.2); short protein forms K232R.
Identifiers: ClinVar variation 4808646 (VCV004808646.1).
Genomic context (GRCh38, chr22:25,768,611, plus strand): 5'-AAGCTGAGAAGACCCGGACTGGGGGTCTTGGGGACCCAGGCCAAGGAACTGTGGCACTGA[A>G]AAAAGGCGAGGAGGGTCAAAGCATAGTGGGGAAGGGGCTTGGGACCCCCAAGACCACAGA-3'
Protein context (NP_115997.5, residues 222-242): GDPGQGTVAL[Lys232Arg]KGEEGQSIVG